The following is an entry in ClinVar:

ClinVar aggregate classification (germline): Conflicting classifications of pathogenicity. Review status: criteria provided, conflicting classifications (1 of 4 stars). 3 submissions from 3 submitters: Uncertain significance (2); Likely benign (1). Last evaluated 2025-09-03.

Conditions:
Inborn genetic diseases. Identifiers: MedGen C0950123, MeSH D030342.
Autosomal recessive severe congenital neutropenia due to G6PC3 deficiency. Also called: NEUTROPENIA, SEVERE CONGENITAL, 4, AUTOSOMAL RECESSIVE; G6PC3 Deficiency. Identifiers: Orphanet 331176, MedGen C2751630, MONDO:0012930, OMIM 612541.

Allele frequency attached by ClinVar (database versions not stated): 1000 Genomes Project 0.00020; gnomAD exomes 0.00009 and 0.00003; 1000 Genomes Project 30x 0.00016; gnomAD 0.00031 and 0.00036; TOPMed 0.00037; ESP Exome Variant Server 0.00015; ExAC 0.00023.
gnomAD v4.1: 93 of 1,574,898 alleles (0.0059%); highest among the groups gnomAD compares: African/African-American, 0.12%; no homozygotes.

Submissions (3):

Labcorp Genetics (formerly Invitae), Labcorp
Classification: Likely benign for Autosomal recessive severe congenital neutropenia due to G6PC3 deficiency. Last evaluated: 2025-09-03. Review status: criteria provided, single submitter. Criteria: Invitae Variant Classification Sherloc (09022015). Collection method: clinical testing. Allele origin: germline.

Ambry Genetics
Classification: Uncertain significance for Inborn genetic diseases. Last evaluated: 2024-10-15. Review status: criteria provided, single submitter. Criteria: Ambry Variant Classification Scheme 2023. Collection method: clinical testing. Allele origin: germline.
Comment: The p.N17T variant (also known as c.50A>C), located in coding exon 1 of the G6PC3 gene, results from an A to C substitution at nucleotide position 50. The asparagine at codon 17 is replaced by threonine, an amino acid with similar properties. This amino acid position is conserved. In addition, this alteration is predicted to be tolerated by in silico analysis. Based on the available evidence, the clinical significance of this variant remains unclear.

GeneDx
Classification: Uncertain significance. Last evaluated: 2022-09-08. Review status: criteria provided, single submitter. Criteria: GeneDx Variant Classification Process June 2021. Collection method: clinical testing. Allele origin: germline. Affected: yes.
Comment: In silico analysis supports that this missense variant does not alter protein structure/function; Has not been previously published as pathogenic or benign to our knowledge

NM_138387.4(G6PC3):c.50A>C (p.Asn17Thr)

Gene: G6PC3 (glucose-6-phosphatase catalytic subunit 3; plus strand). Cytogenetic location: 17q21.31.
Variant type: single nucleotide variant.
Coding change: c.50A>C on transcript NM_138387.4 (MANE Select); coding-DNA position 50, A replaced by C.
Protein change: p.Asn17Thr; replaces asparagine 17 with threonine.
Molecular consequence: missense variant. On other transcripts: 5 prime UTR variant (3), intron variant (1).
Genome position (GRCh38, 1-based): chr17:44,071,015, A>C. VCF-style: chr17-44071015-A-C. GRCh37 (hg19) VCF-style: chr17-42148383-A-C.
Other names: c.50A>C, p.Asn17Thr (NM_001319945.2); c.-355A>C (NM_001384165.1); c.-490A>C (NM_001384166.1); c.-480A>C (NM_001384167.1); c.-312+301A>C (NM_001384168.1); short protein forms N17T.
Identifiers: ClinVar variation 576699 (VCV000576699.13), dbSNP rs375162061, ClinGen allele CA8595878.